The following is an entry in ClinVar:

ClinVar aggregate classification (germline): Uncertain significance. Review status: criteria provided, multiple submitters, no conflicts (2 of 4 stars). 3 submissions from 3 submitters: Uncertain significance (3). Last evaluated 2025-09-13.

Conditions:
Inborn genetic diseases. Identifiers: MedGen C0950123, MeSH D030342.

Allele frequency attached by ClinVar (database versions not stated): gnomAD exomes 0.00001; ExAC 0.00002; gnomAD 0.00002 and 0.00003; TOPMed 0.00003.
gnomAD v4.1: 13 of 1,614,014 alleles (0.00081%); highest among the groups gnomAD compares: Admixed American, 0.0017%; no homozygotes.

Submissions (3):

Labcorp Genetics (formerly Invitae), Labcorp
Classification: Uncertain significance. Last evaluated: 2025-09-13. Review status: criteria provided, single submitter. Criteria: Invitae Variant Classification Sherloc (09022015). Collection method: clinical testing. Allele origin: germline.
Comment: This sequence change replaces glycine, which is neutral and non-polar, with valine, which is neutral and non-polar, at codon 116 of the EMC1 protein (p.Gly116Val). This variant is present in population databases (rs756243435, gnomAD 0.004%). This variant has not been reported in the literature in individuals affected with EMC1-related conditions. ClinVar contains an entry for this variant (Variation ID: 1444593). Invitae Evidence Modeling of protein sequence and biophysical properties (such as structural, functional, and spatial information, amino acid conservation, physicochemical variation, residue mobility, and thermodynamic stability) indicates that this missense variant is not expected to disrupt EMC1 protein function with a negative predictive value of 80%. In summary, the available evidence is currently insufficient to determine the role of this variant in disease. Therefore, it has been classified as a Variant of Uncertain Significance.

GeneDx
Classification: Uncertain significance. Last evaluated: 2024-12-06. Review status: criteria provided, single submitter. Criteria: GeneDx Variant Classification Process June 2021. Collection method: clinical testing. Allele origin: germline. Affected: yes.
Comment: Not observed at significant frequency in large population cohorts (gnomAD); In silico analysis indicates that this missense variant does not alter protein structure/function; Has not been previously published as pathogenic or benign to our knowledge

Ambry Genetics
Classification: Uncertain significance for Inborn genetic diseases. Last evaluated: 2024-04-12. Review status: criteria provided, single submitter. Criteria: Ambry Variant Classification Scheme 2023. Collection method: clinical testing. Allele origin: germline.

NM_015047.3(EMC1):c.347G>T (p.Gly116Val)

Gene: EMC1 (ER membrane protein complex subunit 1; minus strand). Cytogenetic location: 1p36.13.
Variant type: single nucleotide variant.
Coding change: c.347G>T on transcript NM_015047.3 (MANE Select); coding-DNA position 347, G replaced by T.
Protein change: p.Gly116Val; replaces glycine 116 with valine.
Molecular consequence: missense variant.
Genome position (GRCh38, 1-based): chr1:19,243,647, C>A on the plus strand (G>T on the coding strand, the complement: EMC1 is on the minus strand). VCF-style: chr1-19243647-C-A. GRCh37 (hg19) VCF-style: chr1-19570141-C-A.
Other names: c.347G>T (NM_015047.2, NM_015047.1); c.347G>T, p.Gly116Val (NM_001271427.2, NM_001271428.2, NM_001375820.1 and 1 more transcripts); c.281G>T, p.Gly94Val (NM_001271429.2); short protein forms G94V, G116V.
Identifiers: ClinVar variation 1444593 (VCV001444593.8), dbSNP rs756243435, ClinGen allele CA652952.